The following is an entry in ClinVar:

NM_001371928.1(AHDC1):c.3630G>T (p.Glu1210Asp)

Gene: AHDC1 (AT-hook DNA binding motif containing 1; minus strand). Cytogenetic location: 1p36.11.
Variant type: single nucleotide variant.
Coding change: c.3630G>T on transcript NM_001371928.1 (MANE Select); coding-DNA position 3630, G replaced by T.
Protein change: p.Glu1210Asp; replaces glutamic acid 1210 with aspartic acid.
Molecular consequence: missense variant.
Genome position (GRCh38, 1-based): chr1:27,548,486, C>A on the plus strand (G>T on the coding strand, the complement: AHDC1 is on the minus strand). VCF-style: chr1-27548486-C-A. GRCh37 (hg19) VCF-style: chr1-27874997-C-A.
Other names: c.3630G>T, p.Glu1210Asp (NM_001029882.3); short protein forms E1210D.
Identifiers: ClinVar variation 599460 (VCV000599460.18), dbSNP rs371337420, ClinGen allele CA715529.

ClinVar aggregate classification (germline): Benign/Likely benign. Review status: criteria provided, multiple submitters, no conflicts (2 of 4 stars). 6 submissions from 6 submitters: Benign (2); Likely benign (3). 1 of the submissions does not count toward it. Last evaluated 2026-01-01.

Conditions:
AHDC1-related disorder. Also called: AHDC1-related condition.
AHDC1-related intellectual disability - obstructive sleep apnea - mild dysmorphism syndrome. Also called: Xia-Gibbs syndrome. Identifiers: Orphanet 412069, MedGen C4014419, MONDO:0014358, OMIM 615829.

Allele frequency attached by ClinVar (database versions not stated): gnomAD 0.00004 and 0.00005; TOPMed 0.00005; ExAC 0.00006; gnomAD exomes 0.00007 and 0.00013; ESP Exome Variant Server 0.00008.
gnomAD v4.1: 198 of 1,613,792 alleles (0.012%); highest among the groups gnomAD compares: Non-Finnish European, 0.016%; no homozygotes.

Submissions (6):

CeGaT Center for Human Genetics Tuebingen
Classification: Likely benign. Last evaluated: 2026-01-01. Review status: criteria provided, single submitter. Criteria: CeGaT Center For Human Genetics Tuebingen Variant Classification Criteria Version 2. Collection method: clinical testing. Allele origin: germline. Affected: yes. Observed: 1 variant allele.
Comment: AHDC1: BS2

Labcorp Genetics (formerly Invitae), Labcorp
Classification: Likely benign. Last evaluated: 2025-11-17. Review status: criteria provided, single submitter. Criteria: Invitae Variant Classification Sherloc (09022015). Collection method: clinical testing. Allele origin: germline.

Genome-Nilou Lab
Classification: Benign for AHDC1-related intellectual disability - obstructive sleep apnea - mild dysmorphism syndrome. Last evaluated: 2021-12-05. Review status: criteria provided, single submitter. Criteria: ACMG Guidelines, 2015. Collection method: clinical testing. Allele origin: germline. Affected: no.

GeneDx
Classification: Likely benign. Last evaluated: 2020-08-03. Review status: criteria provided, single submitter. Criteria: GeneDx Variant Classification Process June 2021. Collection method: clinical testing. Allele origin: germline. Affected: yes.

Institute for Genomic Medicine (IGM) Clinical Laboratory, Nationwide Children's Hospital
Classification: Benign. Last evaluated: 2017-06-20. Review status: criteria provided, single submitter. Criteria: ACMG Guidelines, 2015. Collection method: clinical testing. Allele origin: germline.
Comment: BS1, BS2, BP1; This alteration has an allele frequency that is greater than expected for the associated disease, was seen in a healthy adult where full penetrance of the disorder is expected at an early age, and is a missense alteration in a gene for which primarily truncating variants are known to cause disease.

PreventionGenetics, part of Exact Sciences
Classification: Likely benign for AHDC1-related condition. Last evaluated: 2019-02-28. Review status: no assertion criteria provided. Collection method: clinical testing. Allele origin: germline. Not counted in ClinVar's aggregate classification.
Comment: This variant is classified as likely benign based on ACMG/AMP sequence variant interpretation guidelines (Richards et al. 2015 PMID: 25741868, with internal and published modifications).